The following is an entry in ClinVar:

ClinVar aggregate classification (germline): Conflicting classifications of pathogenicity. Review status: criteria provided, conflicting classifications (1 of 4 stars). 2 submissions from 2 submitters: Likely pathogenic (1); Uncertain significance (1). Last evaluated 2026-02-23.

Conditions:
Seizures, benign familial infantile, 3 (BFIS3). Also called: CONVULSIONS, BENIGN FAMILIAL INFANTILE, 3; Familial neonatal seizures. Identifiers: Orphanet 140927, Orphanet 306, MedGen C1843140, MONDO:0011904, OMIM 607745.
Developmental and epileptic encephalopathy, 11 (DEE11). Also called: Early infantile epileptic encephalopathy 11. Identifiers: Orphanet 1934, MedGen C3150987, MONDO:0013388, OMIM 613721.

Allele frequency attached by ClinVar (database versions not stated): gnomAD 0.00001; ExAC 0.00002; TOPMed 0.00002; ESP Exome Variant Server 0.00015.
gnomAD v4.1: 1 of 1,613,906 alleles (0.000062%); highest among the groups gnomAD compares: African/African-American, 0.0013%; no homozygotes.

Submissions (2):

GeneDx
Classification: Uncertain significance. Last evaluated: 2026-02-23. Review status: criteria provided, single submitter. Criteria: GeneDx Variant Classification Process June 2021. Collection method: clinical testing. Allele origin: germline.
Comment: In silico analysis supports that this missense variant has a deleterious effect on protein structure/function; This substitution is predicted to be within the C-terminal cytoplasmic domain.; Has not been previously published as pathogenic or benign to our knowledge

Labcorp Genetics (formerly Invitae), Labcorp
Classification: Likely pathogenic for Seizures, benign familial infantile, 3; Developmental and epileptic encephalopathy, 11. Last evaluated: 2025-12-23. Review status: criteria provided, single submitter. Criteria: Invitae Variant Classification Sherloc (09022015). Collection method: clinical testing. Allele origin: germline.
Comment: This sequence change replaces glutamine, which is neutral and polar, with histidine, which is basic and polar, at codon 1811 of the SCN2A protein (p.Gln1811His). This variant is present in population databases (rs143238782, gnomAD 0.007%). This missense change has been observed in individual(s) with clinical features of SCN2A-related conditions (internal data). ClinVar contains an entry for this variant (Variation ID: 2024067). Invitae Evidence Modeling of protein sequence and biophysical properties (such as structural, functional, and spatial information, amino acid conservation, physicochemical variation, residue mobility, and thermodynamic stability) indicates that this missense variant is expected to disrupt SCN2A protein function with a positive predictive value of 95%. This variant disrupts the p.Gln1811 amino acid residue in SCN2A. Other variant(s) that disrupt this residue have been determined to be pathogenic (PMID: 28379373; internal data). This suggests that this residue is clinically significant, and that variants that disrupt this residue are likely to be disease-causing. In summary, the currently available evidence indicates that the variant is pathogenic, but additional data are needed to prove that conclusively. Therefore, this variant has been classified as Likely Pathogenic.

Literature cited by the submitters: PubMed 28379373 (cited by Labcorp Genetics (formerly Invitae), Labcorp).

NM_001040142.2(SCN2A):c.5433G>C (p.Gln1811His)

Gene: SCN2A (sodium voltage-gated channel alpha subunit 2; plus strand). Cytogenetic location: 2q24.3.
Variant type: single nucleotide variant.
Coding change: c.5433G>C on transcript NM_001040142.2 (MANE Select); coding-DNA position 5433, G replaced by C.
Protein change: p.Gln1811His; replaces glutamine 1811 with histidine.
Molecular consequence: missense variant.
Genome position (GRCh38, 1-based): chr2:165,389,239, G>C. VCF-style: chr2-165389239-G-C. GRCh37 (hg19) VCF-style: chr2-166245749-G-C.
Other names: c.5433G>C (NM_021007.2); c.5433G>C, p.Gln1811His (NM_001040143.2, NM_001371246.1, NM_001371247.1 and 1 more transcripts); short protein forms Q1811H.
Identifiers: ClinVar variation 2024067 (VCV002024067.5), dbSNP rs143238782, ClinGen allele CA1940392.